The following is an entry in ClinVar:

NM_001370466.1(NOD2):c.278A>G (p.His93Arg)

Gene: NOD2 (nucleotide binding oligomerization domain containing 2; plus strand). Cytogenetic location: 16q12.1.
Variant type: single nucleotide variant.
Coding change: c.278A>G on transcript NM_001370466.1 (MANE Select); coding-DNA position 278, A replaced by G.
Protein change: p.His93Arg; replaces histidine 93 with arginine.
Molecular consequence: missense variant. On other transcripts: non-coding transcript variant (1).
Genome position (GRCh38, 1-based): chr16:50,699,773, A>G. VCF-style: chr16-50699773-A-G. GRCh37 (hg19) VCF-style: chr16-50733684-A-G.
Other names: c.278A>G, p.His93Arg (NM_001293557.2); c.359A>G, p.His120Arg (NM_022162.3); short protein forms H120R, H93R.
Identifiers: ClinVar variation 1474765 (VCV001474765.8), dbSNP rs959869589, ClinGen allele CA281250284.

ClinVar aggregate classification (germline): Uncertain significance (1 of 4 stars; one submission).

Conditions:
Blau syndrome (BLAUS). Also called: GRANULOMATOSIS, FAMILIAL JUVENILE SYSTEMIC; GRANULOMATOSIS, FAMILIAL, BLAU TYPE; GRANULOMATOUS INFLAMMATORY ARTHRITIS, DERMATITIS, AND UVEITIS, FAMILIAL; JABS SYNDROME; ARTHROCUTANEOUVEAL GRANULOMATOSIS. Identifiers: Orphanet 90340, MedGen C5201146, MONDO:0008523, OMIM 186580.
Regional enteritis. Also called: Enteritis, Granulomatous. Identifiers: MedGen C0678202, MeSH D003424.

Allele frequency attached by ClinVar (database versions not stated): TOPMed below 0.00001; gnomAD 0.00001.
gnomAD v4.1: 4 of 1,613,742 alleles (0.00025%); highest among the groups gnomAD compares: South Asian, 0.0033%; no homozygotes.

Submission:

Labcorp Genetics (formerly Invitae), Labcorp
Classification: Uncertain significance for Regional enteritis; Blau syndrome. Last evaluated: 2025-10-26. Review status: criteria provided, single submitter. Criteria: Invitae Variant Classification Sherloc (09022015). Collection method: clinical testing. Allele origin: germline.
Comment: This sequence change replaces histidine, which is basic and polar, with arginine, which is basic and polar, at codon 120 of the NOD2 protein (p.His120Arg). This variant is not present in population databases (gnomAD no frequency). This variant has not been reported in the literature in individuals affected with NOD2-related conditions. ClinVar contains an entry for this variant (Variation ID: 1474765). Invitae Evidence Modeling of protein sequence and biophysical properties (such as structural, functional, and spatial information, amino acid conservation, physicochemical variation, residue mobility, and thermodynamic stability) indicates that this missense variant is not expected to disrupt NOD2 protein function with a negative predictive value of 95%. In summary, the available evidence is currently insufficient to determine the role of this variant in disease. Therefore, it has been classified as a Variant of Uncertain Significance.